The following is an entry in ClinVar:

NM_022124.6(CDH23):c.5931del (p.Leu1978fs)

Gene: CDH23 (cadherin related 23; plus strand). Cytogenetic location: 10q22.1.
Variant type: Deletion.
Coding change: c.5931del on transcript NM_022124.6 (MANE Select); coding-DNA position 5931, one base deleted (T; older notation c.5931delT).
Protein change: p.Leu1978fs; shifts the reading frame from leucine 1978.
Molecular consequence: frameshift variant.
Genome position (GRCh38, 1-based): chr10:71,790,295, T deleted. VCF-style (leftmost placement, unchanged base first): chr10-71790294-CT-C. GRCh37 (hg19) VCF-style: chr10-73550051-CT-C.
Other names: short protein forms L1978fs.
Identifiers: ClinVar variation 2033443 (VCV002033443.6), dbSNP rs2494374376, ClinGen allele CA2580081837.

ClinVar aggregate classification (germline): Pathogenic/Likely pathogenic. Review status: criteria provided, multiple submitters, no conflicts (2 of 4 stars). 3 submissions from 3 submitters: Pathogenic (1); Likely pathogenic (1). 1 of the submissions does not count toward it. Last evaluated 2023-10-13.

Conditions:
Pituitary adenoma 5, multiple types. Identifiers: MedGen C4539685, MONDO:0054601, OMIM 617540.
Retinal dystrophy. Also called: Inherited retinal dystrophy. Identifiers: Orphanet 71862, MedGen C0854723, MeSH D058499, MONDO:0019118, HP:0000556.

Allele frequency attached by ClinVar (database versions not stated): gnomAD exomes below 0.00001.

Submissions (3):

Baylor Genetics
Classification: Likely pathogenic for Pituitary adenoma 5, multiple types. Last evaluated: 2023-10-13. Review status: criteria provided, single submitter. Criteria: ACMG Guidelines, 2015. Collection method: clinical testing. Allele origin: unknown.

Labcorp Genetics (formerly Invitae), Labcorp
Classification: Pathogenic. Last evaluated: 2022-09-30. Review status: criteria provided, single submitter. Criteria: Invitae Variant Classification Sherloc (09022015). Collection method: clinical testing. Allele origin: germline.
Comment: This sequence change creates a premature translational stop signal (p.Leu1978Serfs*21) in the CDH23 gene. It is expected to result in an absent or disrupted protein product. Loss-of-function variants in CDH23 are known to be pathogenic (PMID: 11138009, 21940737). This variant is not present in population databases (gnomAD no frequency). This variant has not been reported in the literature in individuals affected with CDH23-related conditions. For these reasons, this variant has been classified as Pathogenic.

Institute of Human Genetics, Univ. Regensburg, Univ. Regensburg
Classification: Pathogenic for Retinal dystrophy. Last evaluated: 2023-01-01. Review status: no assertion criteria provided. Criteria: ACMG Guidelines, 2015. Collection method: clinical testing. Allele origin: germline. Affected: yes. Not counted in ClinVar's aggregate classification.

Literature cited by the submitters: PubMed 11138009 (cited by Labcorp Genetics (formerly Invitae), Labcorp); PubMed 21940737 (cited by Labcorp Genetics (formerly Invitae), Labcorp).